The following is an entry in ClinVar:

NC_000014.8:g.(?_76429639)_(76447236_?)dup

Gene: TGFB3 (transforming growth factor beta 3; minus strand). Cytogenetic location: 14q24.3.
Variant type: Duplication.
Identifiers: ClinVar variation 3244034 (VCV003244034.1).

ClinVar aggregate classification (germline): Uncertain significance (1 of 4 stars; one submission).

Conditions:
Rienhoff syndrome. Also called: LOEYS-DIETZ SYNDROME 5. Identifiers: MedGen C3810012, MONDO:0014262, OMIM 615582.

Submission:

Labcorp Genetics (formerly Invitae), Labcorp
Classification: Uncertain significance for Rienhoff syndrome. Last evaluated: 2024-01-31. Review status: criteria provided, single submitter. Criteria: Invitae Variant Classification Sherloc (09022015). Collection method: clinical testing. Allele origin: unknown.
Comment: This variant results in a copy number gain of the genomic region encompassing exon(s) 1-5 of the TGFB3 gene. This region includes the initiator codon of the gene. This copy number gain extends beyond the assayed region for this gene and therefore may encompass additional genes. As the precise location of this event is unknown, it may be in tandem or it may be located elsewhere in the genome. This variant has not been reported in the literature in individuals affected with TGFB3-related conditions. In summary, the available evidence is currently insufficient to determine the role of this variant in disease. Therefore, it has been classified as a Variant of Uncertain Significance.